The following is an entry in ClinVar:

ClinVar aggregate classification (germline): Pathogenic (1 of 4 stars; one submission).

Conditions:
Breast-ovarian cancer, familial, susceptibility to, 1 (BROVCA1). Also called: BRCA1 Hereditary Breast and Ovarian Cancer; OVARIAN CANCER, SUSCEPTIBILITY TO. Identifiers: Orphanet 145, MedGen C2676676, MONDO:0011450, OMIM 604370. Disease mechanism: loss of function.

Submission:

Department of Clinical Genetics, Copenhagen University Hospital, Rigshospitalet
Classification: Pathogenic for Breast-ovarian cancer, familial, susceptibility to, 1. Last evaluated: 2024-05-27. Review status: criteria provided, single submitter. Criteria: ACMG Guidelines, 2015. Collection method: clinical testing. Allele origin: germline. Affected: yes.
Comment: PVS1; PM2_supporting; PM5_PTC_Strong

NM_007294.4:c.(80+1_81-1)_(4986+1_4987-1)del

Gene: BRCA1 (BRCA1 DNA repair associated; minus strand).
Variant type: Deletion.
Other names: c.(80+1_81-1)_(4986+1_4987-1)del (NM_007294.4).
Identifiers: ClinVar variation 3236920 (VCV003236920.1).